The following is an entry in ClinVar:

ClinVar aggregate classification (germline): Uncertain significance. Review status: criteria provided, multiple submitters, no conflicts (2 of 4 stars). 2 submissions from 2 submitters: Uncertain significance (2). Last evaluated 2025-05-02.

Conditions:
Inborn genetic diseases. Identifiers: MedGen C0950123, MeSH D030342.
Baller-Gerold syndrome (BGS). Also called: CRANIOSYNOSTOSIS WITH RADIAL DEFECTS. Identifiers: Orphanet 1225, MedGen C0265308, MONDO:0009039, OMIM 218600.

Submissions (2):

Ambry Genetics
Classification: Uncertain significance for Inborn genetic diseases. Last evaluated: 2025-05-02. Review status: criteria provided, single submitter. Criteria: Ambry Variant Classification Scheme 2023. Collection method: clinical testing. Allele origin: germline.
Comment: The p.A642T variant (also known as c.1924G>A), located in coding exon 12 of the RECQL4 gene, results from a G to A substitution at nucleotide position 1924. The alanine at codon 642 is replaced by threonine, an amino acid with similar properties. This amino acid position is conserved. In addition, this alteration is predicted to be deleterious by in silico analysis. Based on the available evidence, the clinical significance of this variant remains unclear.

Labcorp Genetics (formerly Invitae), Labcorp
Classification: Uncertain significance for Baller-Gerold syndrome. Last evaluated: 2022-08-21. Review status: criteria provided, single submitter. Criteria: Invitae Variant Classification Sherloc (09022015). Collection method: clinical testing. Allele origin: germline.
Comment: ClinVar contains an entry for this variant (Variation ID: 1509794). This variant has not been reported in the literature in individuals affected with RECQL4-related conditions. This variant is not present in population databases (gnomAD no frequency). This sequence change replaces alanine, which is neutral and non-polar, with threonine, which is neutral and polar, at codon 642 of the RECQL4 protein (p.Ala642Thr). In summary, the available evidence is currently insufficient to determine the role of this variant in disease. Therefore, it has been classified as a Variant of Uncertain Significance. Experimental studies and prediction algorithms are not available or were not evaluated, and the functional significance of this variant is currently unknown.

NM_004260.4(RECQL4):c.1924G>A (p.Ala642Thr)

Gene: RECQL4 (RecQ like helicase 4; minus strand). Cytogenetic location: 8q24.3.
Variant type: single nucleotide variant.
Coding change: c.1924G>A on transcript NM_004260.4 (MANE Select); coding-DNA position 1924, G replaced by A.
Protein change: p.Ala642Thr; replaces alanine 642 with threonine.
Molecular consequence: missense variant.
Genome position (GRCh38, 1-based): chr8:144,514,062, C>T on the plus strand (G>A on the coding strand, the complement: RECQL4 is on the minus strand). VCF-style: chr8-144514062-C-T. GRCh37 (hg19) VCF-style: chr8-145739446-C-T.
Other names: c.1924G>A (NM_004260.3); short protein forms A642T.
Identifiers: ClinVar variation 1509794 (VCV001509794.7), dbSNP rs2130692174, ClinGen allele CA372680476.